The following is an entry in ClinVar:

NM_001018115.3(FANCD2):c.2003C>T (p.Ser668Phe)

Genes: FANCD2 (FA complementation group D2; plus strand), LOC107303338 (3p25 FANCD2 Alu-mediated recombination region; plus strand). Cytogenetic location: 3p25.3.
Variant type: single nucleotide variant.
Coding change: c.2003C>T on transcript NM_001018115.3 (MANE Select); coding-DNA position 2003, C replaced by T.
Protein change: p.Ser668Phe; replaces serine 668 with phenylalanine.
Molecular consequence: missense variant.
Genome position (GRCh38, 1-based): chr3:10,064,411, C>T. VCF-style: chr3-10064411-C-T. GRCh37 (hg19) VCF-style: chr3-10106095-C-T.
Other names: c.2003C>T, p.Ser668Phe (NM_001319984.2, NM_001374254.1, NM_033084.6); c.1892C>T, p.Ser631Phe (NM_001374253.1); short protein forms S631F, S668F.
Identifiers: ClinVar variation 2119532 (VCV002119532.1), dbSNP rs527369276, ClinGen allele CA351732574.

ClinVar aggregate classification (germline): Uncertain significance (1 of 4 stars; one submission).

Conditions:
Fanconi anemia (FA). Also called: Fanconi's anemia. Identifiers: Orphanet 84, MedGen C0015625, MeSH D005199, MONDO:0019391.

Submission:

Labcorp Genetics (formerly Invitae), Labcorp
Classification: Uncertain significance for Fanconi anemia. Last evaluated: 2022-03-29. Review status: criteria provided, single submitter. Criteria: Invitae Variant Classification Sherloc (09022015). Collection method: clinical testing. Allele origin: germline.
Comment: This sequence change replaces serine, which is neutral and polar, with phenylalanine, which is neutral and non-polar, at codon 668 of the FANCD2 protein (p.Ser668Phe). This variant is not present in population databases (gnomAD no frequency). This variant has not been reported in the literature in individuals affected with FANCD2-related conditions. Algorithms developed to predict the effect of missense changes on protein structure and function output the following: SIFT: "Tolerated"; PolyPhen-2: "Benign"; Align-GVGD: "Class C0". The phenylalanine amino acid residue is found in multiple mammalian species, which suggests that this missense change does not adversely affect protein function. In summary, the available evidence is currently insufficient to determine the role of this variant in disease. Therefore, it has been classified as a Variant of Uncertain Significance.